The following is an entry in ClinVar:

ClinVar aggregate classification (germline): Uncertain significance (1 of 4 stars; one submission).

Conditions:
Atypical hemolytic-uremic syndrome. Identifiers: Orphanet 2134, MedGen C2931788, MONDO:0016244.

Submission:

Genomenon, Inc
Classification: Uncertain significance for Atypical hemolytic-uremic syndrome. Last evaluated: 2025-09-26. Review status: criteria provided, single submitter. Criteria: Genomenon Sequence Variant Interpretation Standards - Updated. Collection method: curation. Allele origin: germline. Affected: yes.
Comment: CFI p.Val46Leu (c.136G>C) is a missense variant that changes the amino acid at residue 46 from Valine to Leucine. This variant has been observed in at least one proband affected with atypical hemolytic-uremic syndrome (PMID:30890598). It is absent or not present at a significant frequency in gnomAD. In conclusion, we classify CFI p.Val46Leu (c.136G>C) as a variant of unknown significance.

Literature cited by the submitters: PubMed 30890598.

NM_000204.5(CFI):c.136G>C (p.Val46Leu)

Gene: CFI (complement factor I; minus strand). Cytogenetic location: 4q25.
Variant type: single nucleotide variant.
Coding change: c.136G>C on transcript NM_000204.5 (MANE Select); coding-DNA position 136, G replaced by C.
Protein change: p.Val46Leu; replaces valine 46 with leucine.
Molecular consequence: missense variant. On other transcripts: non-coding transcript variant (3), intron variant (1).
Genome position (GRCh38, 1-based): chr4:109,766,746, C>G on the plus strand (G>C on the coding strand, the complement: CFI is on the minus strand). VCF-style: chr4-109766746-C-G. GRCh37 (hg19) VCF-style: chr4-110687902-C-G.
Other names: c.136G>C, p.Val46Leu (NM_001331035.2, NM_001375278.1, NM_001375281.1 and 10 more transcripts); c.-127-5054G>C (NM_001375284.1); short protein forms V46L.
Identifiers: ClinVar variation 4280558 (VCV004280558.1).